The following is an entry in ClinVar:

ClinVar aggregate classification (germline): Pathogenic. Review status: criteria provided, multiple submitters, no conflicts (2 of 4 stars). 2 submissions from 2 submitters: Pathogenic (2). Last evaluated 2024-06-12.

Conditions:
Neurodegeneration with brain iron accumulation 5 (NBIA5). Also called: STATIC ENCEPHALOPATHY OF CHILDHOOD WITH NEURODEGENERATION IN ADULTHOOD; Beta-propeller protein-associated neurodegeneration. Identifiers: Orphanet 329284, MedGen C3550973, MONDO:0010476, OMIM 300894.

Submissions (2):

Labcorp Genetics (formerly Invitae), Labcorp
Classification: Pathogenic for Neurodegeneration with brain iron accumulation 5. Last evaluated: 2024-06-12. Review status: criteria provided, single submitter. Criteria: Invitae Variant Classification Sherloc (09022015). Collection method: clinical testing. Allele origin: germline.
Comment: This sequence change affects an acceptor splice site in intron 7 of the WDR45 gene. It is expected to disrupt RNA splicing. Variants that disrupt the donor or acceptor splice site typically lead to a loss of protein function (PMID: 16199547), and loss-of-function variants in WDR45 are known to be pathogenic (PMID: 23176820, 24368176, 24621584, 25744623, 26790960, 27030146, 27652284, 28554332). This variant is not present in population databases (gnomAD no frequency). Disruption of this splice site has been observed in individual(s) with WDR45-related conditions (PMID: 26790960). In at least one individual the variant was observed to be de novo. ClinVar contains an entry for this variant (Variation ID: 280501). Algorithms developed to predict the effect of sequence changes on RNA splicing suggest that this variant may disrupt the consensus splice site. For these reasons, this variant has been classified as Pathogenic.

GeneDx
Classification: Pathogenic. Last evaluated: 2016-10-13. Review status: criteria provided, single submitter. Criteria: GeneDx Variant Classification (06012015). Collection method: clinical testing. Allele origin: germline. Affected: yes.
Comment: It was not observed in approximately 6,500 individuals of European and African American ancestry in the NHLBI Exome Sequencing Project, indicating it is not a common benign variant in these populations. This pathogenic variant destroys the canonical splice acceptor site in intron 7, and is expected to cause abnormal gene splicing. Therefore, the presence of the c.440-2 A>G variant is consistent with a diagnosis of WDR45-related disorder

Literature cited by the submitters: PubMed 16199547 (cited by Labcorp Genetics (formerly Invitae), Labcorp); PubMed 23176820 (cited by Labcorp Genetics (formerly Invitae), Labcorp); PubMed 24368176 (cited by Labcorp Genetics (formerly Invitae), Labcorp); PubMed 24621584 (cited by Labcorp Genetics (formerly Invitae), Labcorp); PubMed 25744623 (cited by Labcorp Genetics (formerly Invitae), Labcorp); PubMed 26790960 (cited by Labcorp Genetics (formerly Invitae), Labcorp); PubMed 27030146 (cited by Labcorp Genetics (formerly Invitae), Labcorp); PubMed 27652284 (cited by Labcorp Genetics (formerly Invitae), Labcorp); PubMed 28554332 (cited by Labcorp Genetics (formerly Invitae), Labcorp).

NM_001029896.2(WDR45):c.437-2A>G

Gene: WDR45 (WD repeat domain 45; minus strand). Cytogenetic location: Xp11.23.
Variant type: single nucleotide variant.
Coding change: c.437-2A>G on transcript NM_001029896.2 (MANE Select); the canonical splice acceptor site of the intron before coding-DNA position 437, A replaced by G.
Molecular consequence: splice acceptor variant.
Genome position (GRCh38, 1-based): chrX:49,075,947, T>C on the plus strand (A>G on the coding strand, the complement: WDR45 is on the minus strand). VCF-style: chrX-49075947-T-C. GRCh37 (hg19) VCF-style: chrX-48933606-T-C.
Other names: c.440-2A>G (NM_007075.4).
Identifiers: ClinVar variation 280501 (VCV000280501.4), dbSNP rs886041693, ClinGen allele CA10603676.